The following is an entry in ClinVar:

ClinVar aggregate classification (germline): Uncertain significance (1 of 4 stars; one submission).

Submission:

Labcorp Genetics (formerly Invitae), Labcorp
Classification: Uncertain significance. Last evaluated: 2024-05-31. Review status: criteria provided, single submitter. Criteria: Invitae Variant Classification Sherloc (09022015). Collection method: clinical testing. Allele origin: germline.
Comment: This sequence change falls in intron 44 of the POLE gene. It does not directly change the encoded amino acid sequence of the POLE protein. This variant is not present in population databases (gnomAD no frequency). This variant has not been reported in the literature in individuals affected with POLE-related conditions. Algorithms developed to predict the effect of sequence changes on RNA splicing suggest that this variant may create or strengthen a splice site. In summary, the available evidence is currently insufficient to determine the role of this variant in disease. Therefore, it has been classified as a Variant of Uncertain Significance.

NM_006231.4(POLE):c.6137-11T>C

Gene: POLE (DNA polymerase epsilon, catalytic subunit; minus strand). Cytogenetic location: 12q24.33.
Variant type: single nucleotide variant.
Coding change: c.6137-11T>C on transcript NM_006231.4 (MANE Select); 11 bases into the intron before coding-DNA position 6137, T replaced by C.
Molecular consequence: intron variant.
Genome position (GRCh38, 1-based): chr12:132,632,519, A>G on the plus strand (T>C on the coding strand, the complement: POLE is on the minus strand). VCF-style: chr12-132632519-A-G. GRCh37 (hg19) VCF-style: chr12-133209105-A-G.
Identifiers: ClinVar variation 3708002 (VCV003708002.2).